The following is an entry in ClinVar:

ClinVar aggregate classification (germline): Uncertain significance (1 of 4 stars; one submission).

Allele frequency attached by ClinVar (database versions not stated): TOPMed 0.00001.
gnomAD v4.1: 14 of 1,573,570 alleles (0.00089%); highest among the groups gnomAD compares: South Asian, 0.0049%; no homozygotes.

Submission:

Labcorp Genetics (formerly Invitae), Labcorp
Classification: Uncertain significance. Last evaluated: 2024-01-14. Review status: criteria provided, single submitter. Criteria: Invitae Variant Classification Sherloc (09022015). Collection method: clinical testing. Allele origin: germline.
Comment: This sequence change falls in intron 8 of the PSMA3 gene. It does not directly change the encoded amino acid sequence of the PSMA3 protein. It affects a nucleotide within the consensus splice site. This variant is present in population databases (rs747982940, gnomAD 0.004%). This variant has not been reported in the literature in individuals affected with PSMA3-related conditions. ClinVar contains an entry for this variant (Variation ID: 1382060). Variants that disrupt the consensus splice site are a relatively common cause of aberrant splicing (PMID: 17576681, 9536098). Algorithms developed to predict the effect of sequence changes on RNA splicing suggest that this variant is not likely to affect RNA splicing. In summary, the available evidence is currently insufficient to determine the role of this variant in disease. Therefore, it has been classified as a Variant of Uncertain Significance.

Literature cited by the submitters: PubMed 17576681; PubMed 9536098.

NM_002788.4(PSMA3):c.590+6T>C

Genes: PSMA3 (proteasome 20S subunit alpha 3; plus strand), PSMA3-AS1 (PSMA3 antisense RNA 1; minus strand). Cytogenetic location: 14q23.1.
Variant type: single nucleotide variant.
Coding change: c.590+6T>C on transcript NM_002788.4 (MANE Select); 6 bases into the intron after coding-DNA position 590, T replaced by C.
Molecular consequence: intron variant.
Genome position (GRCh38, 1-based): chr14:58,267,526, T>C. VCF-style: chr14-58267526-T-C. GRCh37 (hg19) VCF-style: chr14-58734244-T-C.
Other names: c.569+6T>C (NM_152132.3).
Identifiers: ClinVar variation 1382060 (VCV001382060.6), dbSNP rs747982940, ClinGen allele CA7203845.